The following is an entry in ClinVar:

ClinVar aggregate classification (germline): Likely benign. Review status: criteria provided, multiple submitters, no conflicts (2 of 4 stars). 2 submissions from 2 submitters: Likely benign (2). Last evaluated 2023-03-14.

Conditions:
Cardiomyopathy (CMYO). Also called: Cardiomyopathies. Identifiers: Orphanet 167848, MedGen C0878544, MONDO:0004994, HP:0001638. Inheritance: Various modes of inheritance.

Allele frequency attached by ClinVar (database versions not stated): gnomAD 0.00001; gnomAD exomes 0.00001; TOPMed 0.00002.

Submissions (2):

CHEO Genetics Diagnostic Laboratory, Children's Hospital of Eastern Ontario
Classification: Likely benign for Cardiomyopathy. Last evaluated: 2023-03-14. Review status: criteria provided, single submitter. Criteria: ACMG Guidelines, 2015. Collection method: clinical testing. Allele origin: germline.

ARUP Laboratories, Molecular Genetics and Genomics, ARUP Laboratories
Classification: Likely benign. Last evaluated: 2018-06-20. Review status: criteria provided, single submitter. Criteria: ARUP Molecular Germline Variant Investigation Process. Collection method: clinical testing. Allele origin: germline.
Comment: The c.11918G>A; p.Ser3973Asn variant does not alter the amino acid sequence of the TTN protein and computational splice site prediction algorithms do not predict a change in the nearest splice site or creation of a cryptic splice site. This variant is listed in the genome Aggregation Database (gnomAD) with an overall population frequency of 0.007 % (identified on 2 out of 30,946 chromosomes), and evidence suggests that the vast majority of rare non-truncating TTN variants do not contribute to the clinical outcome of DCM (Begay 2015). Thus, this TTN variant is considered likely benign.

NM_001267550.2(TTN):c.15650G>A (p.Ser5217Asn)

Gene: TTN (titin; minus strand). Cytogenetic location: 2q31.2.
Variant type: single nucleotide variant.
Coding change: c.15650G>A on transcript NM_001267550.2 (MANE Select); coding-DNA position 15650, G replaced by A.
Protein change: p.Ser5217Asn; replaces serine 5217 with asparagine.
Molecular consequence: missense variant. On other transcripts: intron variant (3).
Genome position (GRCh38, 1-based): chr2:178,733,739, C>T on the plus strand (G>A on the coding strand, the complement: TTN is on the minus strand). VCF-style: chr2-178733739-C-T. GRCh37 (hg19) VCF-style: chr2-179598466-C-T.
Other names: c.14699G>A, p.Ser4900Asn (NM_001256850.1); c.11918G>A, p.Ser3973Asn (NM_133378.4); c.13282+4343G>A (NM_003319.4); c.13858+4343G>A (NM_133437.4); c.13657+4343G>A (NM_133432.3); short protein forms S3973N, S5217N, S4900N.
Identifiers: ClinVar variation 618464 (VCV000618464.9), dbSNP rs1479096219, ClinGen allele CA349591977.